The following is an entry in ClinVar:

NM_000312.4(PROC):c.935C>T (p.Ser312Leu)

Gene: PROC (protein C, inactivator of coagulation factors Va and VIIIa; plus strand). Cytogenetic location: 2q14.3.
Variant type: single nucleotide variant.
Coding change: c.935C>T on transcript NM_000312.4 (MANE Select); coding-DNA position 935, C replaced by T.
Protein change: p.Ser312Leu; replaces serine 312 with leucine.
Molecular consequence: missense variant.
Genome position (GRCh38, 1-based): chr2:127,428,495, C>T. VCF-style: chr2-127428495-C-T. GRCh37 (hg19) VCF-style: chr2-128186071-C-T.
Other names: S270L; c.1118C>T, p.Ser373Leu (NM_001375602.1); c.1100C>T, p.Ser367Leu (NM_001375603.1); c.998C>T, p.Ser333Leu (NM_001375604.1); c.1037C>T, p.Ser346Leu (NM_001375605.1); c.1103C>T, p.Ser368Leu (NM_001375606.1); c.1121C>T, p.Ser374Leu (NM_001375607.1); c.878C>T, p.Ser293Leu (NM_001375608.1); and 3 more; short protein forms S312L, S293L, S304L, S310L, S333L, S346L, S367L, S368L.
Identifiers: ClinVar variation 680 (VCV000000680.10), dbSNP rs121918160, ClinGen allele CA114431.

ClinVar aggregate classification (germline): Pathogenic/Likely pathogenic. Review status: criteria provided, multiple submitters, no conflicts (2 of 4 stars). 4 submissions from 4 submitters: Pathogenic (2); Likely pathogenic (1). 1 of the submissions does not count toward it. Last evaluated 2025-12-15.

Conditions:
Thrombophilia due to protein C deficiency, autosomal dominant. Also called: PROC DEFICIENCY, AUTOSOMAL DOMINANT; PROTEIN C DEFICIENCY, AUTOSOMAL DOMINANT. Identifiers: Orphanet 745, MedGen C2674321, MONDO:0008316, OMIM 176860. Disease mechanism: loss of function.

Allele frequency attached by ClinVar (database versions not stated): ExAC 0.00001; gnomAD exomes 0.00001.
gnomAD v4.1: 10 of 1,614,154 alleles (0.00062%); highest among the groups gnomAD compares: Middle Eastern, 0.016%; no homozygotes.

Submissions (4):

Labcorp Genetics (formerly Invitae), Labcorp
Classification: Pathogenic for Thrombophilia due to protein C deficiency, autosomal dominant. Last evaluated: 2025-12-15. Review status: criteria provided, single submitter. Criteria: Invitae Variant Classification Sherloc (09022015). Collection method: clinical testing. Allele origin: germline.
Comment: This sequence change replaces serine, which is neutral and polar, with leucine, which is neutral and non-polar, at codon 312 of the PROC protein (p.Ser312Leu). This variant is present in population databases (rs121918160, gnomAD 0.006%). This missense change has been observed in individuals with deep vein thrombosis, pulmonary embolism, and protein C deficiency (PMID: 7482420, 11380450, 22545135). It has also been observed to segregate with disease in related individuals. This variant is also known as 8524C>T, p.Ser270Leu. ClinVar contains an entry for this variant (Variation ID: 680). Invitae Evidence Modeling of protein sequence and biophysical properties (such as structural, functional, and spatial information, amino acid conservation, physicochemical variation, residue mobility, and thermodynamic stability) indicates that this missense variant is expected to disrupt PROC protein function with a positive predictive value of 80%. Experimental studies have shown that this missense change affects PROC function (PMID: 11380450). For these reasons, this variant has been classified as Pathogenic.

Mayo Clinic Laboratories, Mayo Clinic
Classification: Likely pathogenic. Last evaluated: 2024-10-29. Review status: criteria provided, single submitter. Criteria: ACMG Guidelines, 2015. Collection method: clinical testing. Allele origin: germline. Observed: 1 variant allele.
Comment: PP1, PM1_supporting, PM2_supporting, PM3, PM6, PS3_moderate, PS4_moderate

GeneDx
Classification: Pathogenic. Last evaluated: 2024-07-21. Review status: criteria provided, single submitter. Criteria: GeneDx Variant Classification Process June 2021. Collection method: clinical testing. Allele origin: germline. Affected: yes.
Comment: Published functional studies suggest a damaging effect on the secretion of PROC protein in vitro (PMID: 11380450); In silico analysis supports that this missense variant has a deleterious effect on protein structure/function; Also known as p.(S270L); This variant is associated with the following publications: (PMID: 11380450, 34708097, 34188281, 22545135, 28607330, 7482420, 37647632, 33729509, 17152060)

OMIM
Classification: Pathogenic for THROMBOPHILIA DUE TO PROTEIN C DEFICIENCY, AUTOSOMAL DOMINANT. Last evaluated: 2001-06-01. Review status: no assertion criteria provided. Collection method: literature only. Allele origin: germline. Not counted in ClinVar's aggregate classification.

Literature cited by the submitters: PubMed 7482420 (cited by Labcorp Genetics (formerly Invitae), Labcorp and Mayo Clinic Laboratories, Mayo Clinic); PubMed 11380450 (cited by 3 submitters); PubMed 22545135 (cited by Labcorp Genetics (formerly Invitae), Labcorp and Mayo Clinic Laboratories, Mayo Clinic); PubMed 10942114 (cited by Mayo Clinic Laboratories, Mayo Clinic); PubMed 28607330 (cited by Mayo Clinic Laboratories, Mayo Clinic); PubMed 29040284 (cited by Mayo Clinic Laboratories, Mayo Clinic); PubMed 34188281 (cited by Mayo Clinic Laboratories, Mayo Clinic); PubMed 34708097 (cited by Mayo Clinic Laboratories, Mayo Clinic); PubMed 37647632 (cited by Mayo Clinic Laboratories, Mayo Clinic); PubMed 8446940 (cited by Mayo Clinic Laboratories, Mayo Clinic).